The following is an entry in ClinVar:

NM_003413.4(ZIC3):c.1079G>A (p.Cys360Tyr)

Gene: ZIC3 (Zic family zinc finger 3; plus strand). Cytogenetic location: Xq26.3.
Variant type: single nucleotide variant.
Coding change: c.1079G>A on transcript NM_003413.4 (MANE Select); coding-DNA position 1079, G replaced by A.
Protein change: p.Cys360Tyr; replaces cysteine 360 with tyrosine.
Molecular consequence: missense variant.
Genome position (GRCh38, 1-based): chrX:137,568,920, G>A. VCF-style: chrX-137568920-G-A. GRCh37 (hg19) VCF-style: chrX-136651079-G-A.
Other names: c.1079G>A, p.Cys360Tyr (NM_001330661.1); short protein forms C360Y.
Identifiers: ClinVar variation 1806012 (VCV001806012.1), dbSNP rs2521154725, ClinGen allele CA414771387.

ClinVar aggregate classification (germline): Likely pathogenic (1 of 4 stars; one submission).

Conditions:
Heterotaxy, visceral, 1, X-linked (HTX1). Also called: DEXTROCARDIA WITH OTHER CARDIAC MALFORMATIONS; SITUS INVERSUS, COMPLEX CARDIAC DEFECTS, AND SPLENIC DEFECTS, X-LINKED; Laterality, X-linked; Visceral heterotaxia. Identifiers: Orphanet 450, MedGen C1844020, MONDO:0010607, OMIM 306955.

Submission:

Victorian Clinical Genetics Services, Murdoch Childrens Research Institute
Classification: Likely pathogenic for Heterotaxy, visceral, 1, X-linked. Last evaluated: 2022-09-02. Review status: criteria provided, single submitter. Criteria: ACMG Guidelines, 2015. Collection method: clinical testing. Allele origin: germline. Inheritance: X-linked recessive inheritance. Affected: yes.
Comment: Based on the classification scheme VCGS_Germline_v1.3.4, this variant is classified as Likely pathogenic. Following criteria are met: 0102 - Loss of function is a known mechanism of disease in this gene and is associated with nonsyndromic congenital heart defects 1, visceral heterotaxy 1 (MIM#306955) and VACTERL association (MIM#314390). (I) 0109 - This gene is associated with X-linked recessive disease. (I) 0112 - The condition associated with this gene has incomplete penetrance (PMID: 10980576, PMID: 27406248). (I) 0200 - Variant is predicted to result in a missense amino acid change from cysteine to tyrosine. (I) 0253 - This variant is hemizygous. (I) 0301 - Variant is absent from gnomAD (both v2 and v3). (SP) 0501 - Missense variant consistently predicted to be damaging by multiple in silico tools or highly conserved with a major amino acid change. (SP) 0601 - Variant is located in the well-established cysteine residue with a zinc finger motif. Cysteine residues within zinc finger motifs in this protein have been functionally proven to affect transactivational activity (DECIPHER, PMID: 32753700). (SP) 0705 - No comparable missense variants have previous evidence for pathogenicity. (I) 0802 - This variant has moderate previous evidence of pathogenicity in unrelated individuals. This variant has been observed as de novo in a hemizygous individual with complete AV canal defect, cardiomegaly and heterotaxy by asplenia, and was classified as likely pathogenic (Clark, R. and Ramanathan, S. (2018), personal communication). (SP) 0905 - No published segregation evidence has been identified for this variant. (I) 1007 - No published functional evidence has been identified for this variant. (I) Legend: (SP) - Supporting pathogenic, (I) - Information, (SB) - Supporting benign

Literature cited by the submitters: PubMed 10980576; PubMed 27406248; PubMed 32753700.